The following is an entry in ClinVar:

ClinVar aggregate classification (germline): Uncertain significance (1 of 4 stars; one submission).

gnomAD v4.1: 3 of 1,613,756 alleles (0.00019%); highest among the groups gnomAD compares: Non-Finnish European, 0.00017%; no homozygotes.

Submission:

Labcorp Genetics (formerly Invitae), Labcorp
Classification: Uncertain significance. Last evaluated: 2021-11-10. Review status: criteria provided, single submitter. Criteria: Invitae Variant Classification Sherloc (09022015). Collection method: clinical testing. Allele origin: germline.
Comment: This sequence change replaces lysine, which is basic and polar, with arginine, which is basic and polar, at codon 487 of the RNF216 protein (p.Lys487Arg). This variant is present in population databases (rs771766081, gnomAD 0.0009%). This variant has not been reported in the literature in individuals affected with RNF216-related conditions. Algorithms developed to predict the effect of missense changes on protein structure and function are either unavailable or do not agree on the potential impact of this missense change (SIFT: "Tolerated"; PolyPhen-2: "Possibly Damaging"; Align-GVGD: "Class C0"). In summary, the available evidence is currently insufficient to determine the role of this variant in disease. Therefore, it has been classified as a Variant of Uncertain Significance.

NM_207111.4(RNF216):c.1460A>G (p.Lys487Arg)

Gene: RNF216 (ring finger protein 216; minus strand). Cytogenetic location: 7p22.1.
Variant type: single nucleotide variant.
Coding change: c.1460A>G on transcript NM_207111.4 (MANE Select); coding-DNA position 1460, A replaced by G.
Protein change: p.Lys487Arg; replaces lysine 487 with arginine.
Molecular consequence: missense variant.
Genome position (GRCh38, 1-based): chr7:5,725,368, T>C on the plus strand (A>G on the coding strand, the complement: RNF216 is on the minus strand). VCF-style: chr7-5725368-T-C. GRCh37 (hg19) VCF-style: chr7-5764999-T-C.
Other names: c.1289A>G, p.Lys430Arg (NM_001377156.1, NM_207116.3); short protein forms K430R, K487R.
Identifiers: ClinVar variation 1392418 (VCV001392418.6), dbSNP rs771766081, ClinGen allele CA4148190.
Genomic context (GRCh38, chr7:5,725,368, plus strand): 5'-ACACAGTTTGCATTACCTTGTTCAAACTTGAAATCAATGTAAGAATACTGGTTCATTTGT[T>C]TTCTCTTCTTCCTTTTTCCACTGGTTTCTGGTGACAGCTCCTGCCATTTTTTAATGGCAT-3'
Protein context (NP_996994.1, residues 477-497): PETSGKRKKR[Lys487Arg]QMNQYSYIDF